The following is an entry in ClinVar:

NM_002432.3(MNDA):c.573T>A (p.Asn191Lys)

Gene: MNDA (myeloid cell nuclear differentiation antigen; plus strand). Cytogenetic location: 1q23.1.
Variant type: single nucleotide variant.
Coding change: c.573T>A on transcript NM_002432.3 (MANE Select); coding-DNA position 573, T replaced by A.
Protein change: p.Asn191Lys; replaces asparagine 191 with lysine.
Molecular consequence: missense variant.
Genome position (GRCh38, 1-based): chr1:158,845,589, T>A. VCF-style: chr1-158845589-T-A. GRCh37 (hg19) VCF-style: chr1-158815379-T-A.
Other names: short protein forms N191K.
Identifiers: ClinVar variation 3222198 (VCV003222198.1), dbSNP rs755919776, ClinGen allele CA31305893.

ClinVar aggregate classification (germline): Uncertain significance (1 of 4 stars; one submission).

Allele frequency attached by ClinVar (database versions not stated): gnomAD exomes 0.00001.

Submission:

Ambry Genetics
Classification: Uncertain significance. Last evaluated: 2023-09-25. Review status: criteria provided, single submitter. Criteria: Ambry Variant Classification Scheme 2023. Collection method: clinical testing. Allele origin: germline.
Comment: The p.N191K variant (also known as c.573T>A), located in coding exon 4 of the MNDA gene, results from a T to A substitution at nucleotide position 573. The asparagine at codon 191 is replaced by lysine, an amino acid with similar properties. This amino acid position is conserved. In addition, this alteration is predicted to be tolerated by in silico analysis. Since supporting evidence is limited at this time, the clinical significance of this alteration remains unclear.